The following is an entry in ClinVar:

NM_001852.4(COL9A2):c.471+2T>A

Gene: COL9A2 (collagen type IX alpha 2 chain; minus strand). Cytogenetic location: 1p34.2.
Variant type: single nucleotide variant.
Coding change: c.471+2T>A on transcript NM_001852.4 (MANE Select); the canonical splice donor site of the intron after coding-DNA position 471, T replaced by A.
Molecular consequence: splice donor variant.
Genome position (GRCh38, 1-based): chr1:40,311,660, A>T on the plus strand (T>A on the coding strand, the complement: COL9A2 is on the minus strand). VCF-style: chr1-40311660-A-T. GRCh37 (hg19) VCF-style: chr1-40777332-A-T.
Identifiers: ClinVar variation 2867195 (VCV002867195.3), dbSNP rs2522553864, ClinGen allele CA339856115.

ClinVar aggregate classification (germline): Likely pathogenic (1 of 4 stars; one submission).

Submission:

Labcorp Genetics (formerly Invitae), Labcorp
Classification: Likely pathogenic. Last evaluated: 2023-05-22. Review status: criteria provided, single submitter. Criteria: Invitae Variant Classification Sherloc (09022015). Collection method: clinical testing. Allele origin: germline.
Comment: In summary, the currently available evidence indicates that the variant is pathogenic, but additional data are needed to prove that conclusively. Therefore, this variant has been classified as Likely Pathogenic. Algorithms developed to predict the effect of sequence changes on RNA splicing suggest that this variant may disrupt the consensus splice site. This variant has not been reported in the literature in individuals affected with COL9A2-related conditions. This variant is not present in population databases (gnomAD no frequency). This sequence change affects a donor splice site in intron 9 of the COL9A2 gene. It is expected to disrupt RNA splicing. Variants that disrupt the donor or acceptor splice site typically lead to a loss of protein function (PMID: 16199547), and loss-of-function variants in COL9A2 are known to be pathogenic (PMID: 21671392, 33356723).

Literature cited by the submitters: PubMed 16199547; PubMed 21671392; PubMed 33356723.